The following is an entry in ClinVar:

ClinVar aggregate classification (germline): Uncertain significance (1 of 4 stars; one submission).

Conditions:
Inborn genetic diseases. Identifiers: MedGen C0950123, MeSH D030342.

Submission:

Ambry Genetics
Classification: Uncertain significance for Inborn genetic diseases. Last evaluated: 2025-08-20. Review status: criteria provided, single submitter. Criteria: Ambry Variant Classification Scheme 2023. Collection method: clinical testing. Allele origin: germline.
Comment: The p.S147P variant (also known as c.439T>C), located in coding exon 3 of the MBD4 gene, results from a T to C substitution at nucleotide position 439. The serine at codon 147 is replaced by proline, an amino acid with similar properties. This amino acid position is conserved. In addition, this alteration is predicted to be tolerated by in silico analysis. Based on the available evidence, the clinical significance of this variant remains unclear.

NM_001276270.2(MBD4):c.439T>C (p.Ser147Pro)

Gene: MBD4 (methyl-CpG binding domain 4, DNA glycosylase; minus strand). Cytogenetic location: 3q21.3.
Variant type: single nucleotide variant.
Coding change: c.439T>C on transcript NM_001276270.2 (MANE Select); coding-DNA position 439, T replaced by C.
Protein change: p.Ser147Pro; replaces serine 147 with proline.
Molecular consequence: missense variant. On other transcripts: intron variant (1).
Genome position (GRCh38, 1-based): chr3:129,437,205, A>G on the plus strand (T>C on the coding strand, the complement: MBD4 is on the minus strand). VCF-style: chr3-129437205-A-G. GRCh37 (hg19) VCF-style: chr3-129156048-A-G.
Other names: c.439T>C, p.Ser147Pro (NM_001276271.2, NM_001276272.2, NM_003925.3); c.247+603T>C (NM_001276273.2); short protein forms S147P.
Identifiers: ClinVar variation 4104658 (VCV004104658.1).
Genomic context (GRCh38, chr3:129,437,205, plus strand): 5'-GATGGGATGTCAGGGCTGCCATGCTGCAGTCTTTATATCTTGACTTGATACCCCTTTTAG[A>G]AAGTACAGTAAAATCAAAATCTTCTGGCTTAAGAGAAGTCTCTCCATTTTTGTGAAGATA-3'
Protein context (NP_001263199.1, residues 137-157): KPEDFDFTVL[Ser147Pro]KRGIKSRYKD